The following is an entry in ClinVar:

ClinVar aggregate classification (germline): Uncertain significance (1 of 4 stars; one submission).

Submission:

GeneDx
Classification: Uncertain significance. Last evaluated: 2025-03-18. Review status: criteria provided, single submitter. Criteria: GeneDx Variant Classification Process June 2021. Collection method: clinical testing. Allele origin: germline. Affected: yes.
Comment: Not observed at significant frequency in large population cohorts (gnomAD); In silico analysis indicates that this missense variant does not alter protein structure/function; Has not been previously published as pathogenic or benign to our knowledge

NM_001923.5(DDB1):c.874G>A (p.Asp292Asn)

Gene: DDB1 (damage specific DNA binding protein 1; minus strand). Cytogenetic location: 11q12.2.
Variant type: single nucleotide variant.
Coding change: c.874G>A on transcript NM_001923.5 (MANE Select); coding-DNA position 874, G replaced by A.
Protein change: p.Asp292Asn; replaces aspartic acid 292 with asparagine.
Molecular consequence: missense variant.
Genome position (GRCh38, 1-based): chr11:61,324,026, C>T on the plus strand (G>A on the coding strand, the complement: DDB1 is on the minus strand). VCF-style: chr11-61324026-C-T. GRCh37 (hg19) VCF-style: chr11-61091498-C-T.
Other names: short protein forms D292N.
Identifiers: ClinVar variation 4086645 (VCV004086645.1).